The following is an entry in ClinVar:

NM_002693.3(POLG):c.1002G>A (p.Arg334=)

Gene: POLG (DNA polymerase gamma, catalytic subunit; minus strand). Cytogenetic location: 15q26.1.
Variant type: single nucleotide variant.
Coding change: c.1002G>A on transcript NM_002693.3 (MANE Select); coding-DNA position 1002, G replaced by A.
Protein change: p.Arg334=; no amino-acid change (arginine 334 retained).
Molecular consequence: synonymous variant.
Genome position (GRCh38, 1-based): chr15:89,328,964, C>T on the plus strand (G>A on the coding strand, the complement: POLG is on the minus strand). VCF-style: chr15-89328964-C-T. GRCh37 (hg19) VCF-style: chr15-89872195-C-T.
Other names: c.1002G>A, p.Arg334= (NM_001126131.2).
Identifiers: ClinVar variation 381064 (VCV000381064.10), dbSNP rs1057520944, ClinGen allele CA16607181.

ClinVar aggregate classification (germline): Likely benign. Review status: criteria provided, multiple submitters, no conflicts (2 of 4 stars). 2 submissions from 2 submitters: Likely benign (2). Last evaluated 2026-01-26.

Conditions:
Progressive sclerosing poliodystrophy (MTDPS4A). Also called: ALPERS PROGRESSIVE INFANTILE POLIODYSTROPHY; NEURONAL DEGENERATION OF CHILDHOOD WITH LIVER DISEASE, PROGRESSIVE; Alpers-Huttenlocher Syndrome (AHS); Alpers Syndrome; Mitochondrial DNA Depletion Syndrome 4A; ALPERS DIFFUSE DEGENERATION OF CEREBRAL GRAY MATTER WITH HEPATIC CIRRHOSIS. Identifiers: Orphanet 726, MedGen C0205710, MONDO:0008758, OMIM 203700.

Allele frequency attached by ClinVar (database versions not stated): gnomAD exomes 0.00001.
gnomAD v4.1: 14 of 1,614,038 alleles (0.00087%); highest among the groups gnomAD compares: Non-Finnish European, 0.0012%; no homozygotes.

Submissions (2):

Labcorp Genetics (formerly Invitae), Labcorp
Classification: Likely benign for Progressive sclerosing poliodystrophy. Last evaluated: 2026-01-26. Review status: criteria provided, single submitter. Criteria: Invitae Variant Classification Sherloc (09022015). Collection method: clinical testing. Allele origin: germline.

GeneDx
Classification: Likely benign. Last evaluated: 2015-10-09. Review status: criteria provided, single submitter. Criteria: GeneDx Variant Classification (06012015). Collection method: clinical testing. Allele origin: germline. Affected: yes.
Comment: This variant is considered likely benign or benign based on one or more of the following criteria: it is a conservative change, it occurs at a poorly conserved position in the protein, it is predicted to be benign by multiple in silico algorithms, and/or has population frequency not consistent with disease.